The following is an entry in ClinVar:

ClinVar aggregate classification (germline): Pathogenic (1 of 4 stars; one submission).

Submission:

Labcorp Genetics (formerly Invitae), Labcorp
Classification: Pathogenic. Last evaluated: 2023-05-27. Review status: criteria provided, single submitter. Criteria: Invitae Variant Classification Sherloc (09022015). Collection method: clinical testing. Allele origin: germline.
Comment: For these reasons, this variant has been classified as Pathogenic. This variant has not been reported in the literature in individuals affected with ABCC8-related conditions. This variant is not present in population databases (gnomAD no frequency). This sequence change creates a premature translational stop signal (p.Gln1190*) in the ABCC8 gene. It is expected to result in an absent or disrupted protein product. Loss-of-function variants in ABCC8 are known to be pathogenic (PMID: 20685672, 23345197).

Literature cited by the submitters: PubMed 20685672; PubMed 23345197.

NM_000352.6(ABCC8):c.3568C>T (p.Gln1190Ter)

Gene: ABCC8 (ATP binding cassette subfamily C member 8; minus strand). Cytogenetic location: 11p15.1.
Variant type: single nucleotide variant.
Coding change: c.3568C>T on transcript NM_000352.6 (MANE Select); coding-DNA position 3568, C replaced by T.
Protein change: p.Gln1190Ter; replaces glutamine 1190 with a stop codon.
Molecular consequence: nonsense. On other transcripts: non-coding transcript variant (1).
Genome position (GRCh38, 1-based): chr11:17,402,743, G>A on the plus strand (C>T on the coding strand, the complement: ABCC8 is on the minus strand). VCF-style: chr11-17402743-G-A. GRCh37 (hg19) VCF-style: chr11-17424290-G-A.
Other names: c.3571C>T, p.Gln1191Ter (NM_001287174.3); c.3634C>T, p.Gln1212Ter (NM_001351295.2); c.3568C>T, p.Gln1190Ter (NM_001351296.2); c.3565C>T, p.Gln1189Ter (NM_001351297.2); short protein forms Q1189*, Q1212*, Q1190*, Q1191*.
Identifiers: ClinVar variation 2734492 (VCV002734492.3), dbSNP rs2496502495, ClinGen allele CA379796881.